The following is an entry in ClinVar:

ClinVar aggregate classification (germline): Uncertain significance (1 of 4 stars; one submission).

Conditions:
Diamond-Blackfan anemia. Also called: Blackfan Diamond syndrome; Aregenerative anemia chronic congenital; Red cell aplasia, pure hereditary; Congenital hypoplastic anemia; Aase syndrome. Identifiers: Orphanet 124, MedGen C1260899, MeSH D029503, MONDO:0015253, HP:0004810.

gnomAD v4.1: 17 of 1,612,712 alleles (0.0011%); highest among the groups gnomAD compares: Non-Finnish European, 0.0013%; no homozygotes.

Submission:

Labcorp Genetics (formerly Invitae), Labcorp
Classification: Uncertain significance for Diamond-Blackfan anemia. Last evaluated: 2025-08-27. Review status: criteria provided, single submitter. Criteria: Invitae Variant Classification Sherloc (09022015). Collection method: clinical testing. Allele origin: germline.
Comment: This sequence change replaces alanine, which is neutral and non-polar, with valine, which is neutral and non-polar, at codon 10 of the RPS10 protein (p.Ala10Val). This variant is present in population databases (no rsID available, gnomAD 0.0009%). This variant has not been reported in the literature in individuals affected with RPS10-related conditions. An algorithm developed to predict the effect of missense changes on protein structure and function (PolyPhen-2) suggests that this variant is likely to be tolerated. In summary, the available evidence is currently insufficient to determine the role of this variant in disease. Therefore, it has been classified as a Variant of Uncertain Significance.

NM_001014.5(RPS10):c.29C>T (p.Ala10Val)

Genes: RPS10 (ribosomal protein S10; minus strand), RPS10-NUDT3 (RPS10-NUDT3 readthrough; minus strand). Cytogenetic location: 6p21.31.
Variant type: single nucleotide variant.
Coding change: c.29C>T on transcript NM_001014.5 (MANE Select); coding-DNA position 29, C replaced by T.
Protein change: p.Ala10Val; replaces alanine 10 with valine.
Molecular consequence: missense variant.
Genome position (GRCh38, 1-based): chr6:34,425,193, G>A on the plus strand (C>T on the coding strand, the complement: RPS10 is on the minus strand). VCF-style: chr6-34425193-G-A. GRCh37 (hg19) VCF-style: chr6-34392970-G-A.
Other names: c.29C>T, p.Ala10Val (NM_001202470.3, NM_001203245.3, NM_001204091.2); short protein forms A10V.
Identifiers: ClinVar variation 4739378 (VCV004739378.1).